The following is an entry in ClinVar:

ClinVar aggregate classification (germline): Likely benign. Review status: criteria provided, multiple submitters, no conflicts (2 of 4 stars). 5 submissions from 5 submitters: Likely benign (3). 2 of the submissions do not count toward it. Last evaluated 2025-05-01.

Allele frequency attached by ClinVar (database versions not stated): gnomAD exomes 0.00152 and 0.00166; ExAC 0.00171; 1000 Genomes Project 0.00240; ESP Exome Variant Server 0.00254; gnomAD 0.00255 and 0.00288; 1000 Genomes Project 30x 0.00265; TOPMed 0.00287.
gnomAD v4.1: 2,860 of 1,608,210 alleles (0.18%); highest among the groups gnomAD compares: African/African-American, 0.51%; 10 homozygotes.

Submissions (5):

CeGaT Center for Human Genetics Tuebingen
Classification: Likely benign. Last evaluated: 2025-05-01. Review status: criteria provided, single submitter. Criteria: CeGaT Center For Human Genetics Tuebingen Variant Classification Criteria Version 2. Collection method: clinical testing. Allele origin: germline. Affected: yes. Observed: 2 variant alleles.
Comment: AXIN1: BP4, BS2

Blueprint Genetics
Classification: Likely benign. Last evaluated: 2024-11-21. Review status: criteria provided, single submitter. Criteria: ACMG Guidelines, 2015. Collection method: clinical testing. Allele origin: germline.

Breakthrough Genomics
Classification: Likely benign. Review status: criteria provided, single submitter. Criteria: ACMG Guidelines, 2015. Collection method: not provided. Allele origin: germline. Inheritance: Unknown mechanism. Affected: yes.

Clinical Genetics DNA and cytogenetics Diagnostics Lab, Erasmus MC, Erasmus Medical Center
Classification: Likely benign. Review status: no assertion criteria provided. Collection method: clinical testing. Allele origin: germline. Affected: yes. Study: VKGL Data-share Consensus. Not counted in ClinVar's aggregate classification.

Laboratory of Diagnostic Genome Analysis, Leiden University Medical Center (LUMC)
Classification: Likely benign. Review status: no assertion criteria provided. Collection method: clinical testing. Allele origin: germline. Affected: yes. Study: VKGL Data-share Consensus. Not counted in ClinVar's aggregate classification.

NM_003502.4(AXIN1):c.2186+4C>T

Gene: AXIN1 (axin 1; minus strand). Cytogenetic location: 16p13.3.
Variant type: single nucleotide variant.
Coding change: c.2186+4C>T on transcript NM_003502.4 (MANE Select); 4 bases into the intron after coding-DNA position 2186, C replaced by T.
Molecular consequence: intron variant.
Genome position (GRCh38, 1-based): chr16:293,484, G>A on the plus strand (C>T on the coding strand, the complement: AXIN1 is on the minus strand). VCF-style: chr16-293484-G-A. GRCh37 (hg19) VCF-style: chr16-343484-G-A.
Other names: c.2186+4C>T (NM_181050.3).
Identifiers: ClinVar variation 1206002 (VCV001206002.28), dbSNP rs145099978, ClinGen allele CA7773941.